The following is an entry in ClinVar:

ClinVar aggregate classification (germline): Likely pathogenic (1 of 4 stars; one submission).

Conditions:
Primary ciliary dyskinesia. Also called: Ciliary dyskinesia. Identifiers: Orphanet 244, MedGen C0008780, MONDO:0016575, HP:0012265.

Submission:

Department of Human Genetics, Hannover Medical School
Classification: Likely pathogenic for Primary Ciliary Dyskinesia. Last evaluated: 2026-04-01. Review status: criteria provided, single submitter. Criteria: ACMG Guidelines, 2015. Collection method: research. Allele origin: germline. Affected: no.
Comment: Classification performed by HerediClassify using the following criteria:['PM2_supporting: Variant occures does not occur as homozygous in gnomAD.', 'PVS1_protein_very_strong: Transcript ENST00000682832 is predicted to undergo NMD.']

NM_001304360.2(CFAP74):c.2540del (p.His847fs)

Gene: CFAP74 (cilia and flagella associated protein 74; minus strand). Cytogenetic location: 1p36.33.
Variant type: Deletion.
Coding change: c.2540del on transcript NM_001304360.2 (MANE Select); coding-DNA position 2540, one base deleted (A; older notation c.2540delA).
Protein change: p.His847fs; shifts the reading frame from histidine 847.
Molecular consequence: frameshift variant.
Genome position (GRCh38, 1-based): chr1:1,942,103, T deleted on the plus strand (A on the coding strand, the reverse complement: CFAP74 is on the minus strand). VCF-style (leftmost placement, unchanged base first): chr1-1942102-GT-G. GRCh37 (hg19) VCF-style: chr1-1873541-GT-G.
Other names: short protein forms H847fs.
Identifiers: ClinVar variation 4880147 (VCV004880147.1).